The following is an entry in ClinVar:

ClinVar aggregate classification (germline): Likely benign. Review status: criteria provided, multiple submitters, no conflicts (2 of 4 stars). 2 submissions from 2 submitters: Likely benign (2). Last evaluated 2026-03-07.

Conditions:
LCT-related disorder. Also called: LCT-related condition.

Allele frequency attached by ClinVar (database versions not stated): gnomAD exomes 0.00001; TOPMed 0.00002.
gnomAD v4.1: 19 of 1,614,218 alleles (0.0012%); highest among the groups gnomAD compares: Non-Finnish European, 0.0014%; no homozygotes.

Submissions (2):

PreventionGenetics, part of Exact Sciences
Classification: Likely benign for LCT-related condition. Last evaluated: 2026-03-07. Review status: criteria provided, single submitter. Criteria: ACMG Guidelines, 2015. Collection method: clinical testing. Allele origin: germline.
Comment: This variant is classified as likely benign based on ACMG/AMP sequence variant interpretation guidelines (Richards et al. 2015 PMID: 25741868, with internal and published modifications).

Labcorp Genetics (formerly Invitae), Labcorp
Classification: Likely benign. Last evaluated: 2025-12-01. Review status: criteria provided, single submitter. Criteria: Invitae Variant Classification Sherloc (09022015). Collection method: clinical testing. Allele origin: germline.

NM_002299.4(LCT):c.3708G>A (p.Glu1236=)

Gene: LCT (lactase; minus strand). Cytogenetic location: 2q21.3.
Variant type: single nucleotide variant.
Coding change: c.3708G>A on transcript NM_002299.4 (MANE Select); coding-DNA position 3708, G replaced by A.
Protein change: p.Glu1236=; no amino-acid change (glutamic acid 1236 retained).
Molecular consequence: synonymous variant.
Genome position (GRCh38, 1-based): chr2:135,808,639, C>T on the plus strand (G>A on the coding strand, the complement: LCT is on the minus strand). VCF-style: chr2-135808639-C-T. GRCh37 (hg19) VCF-style: chr2-136566209-C-T.
Other names: c.3708G>A (NM_002299.3).
Identifiers: ClinVar variation 2977929 (VCV002977929.4), dbSNP rs1402951413, ClinGen allele CA429204019.
Genomic context (GRCh38, chr2:135,808,639, plus strand): 5'-CAGCCTTCGCGTCCCCCAGGGCGCAGCTCTGTTCATTGCCGTGGAAGGCCACGAAGGGTC[C>T]TCCTCCTCAGCCATCTCCTGGTCGTCTTCGTAGGAGGGTGGGTTTAGCCTGGGTGTTTTG-3'
Protein context (NP_002290.2, residues 1226-1246): YEDDQEMAEE[Glu1236=]DPSWPSTAMN